The following is an entry in ClinVar:

ClinVar aggregate classification (germline): Uncertain significance (1 of 4 stars; one submission).

Conditions:
Tuberous sclerosis 2 (TSC2). Identifiers: Orphanet 805, MedGen C1860707, MONDO:0013199, OMIM 613254.

Submission:

Labcorp Genetics (formerly Invitae), Labcorp
Classification: Uncertain significance for Tuberous sclerosis 2. Last evaluated: 2023-09-12. Review status: criteria provided, single submitter. Criteria: Invitae Variant Classification Sherloc (09022015). Collection method: clinical testing. Allele origin: unknown.
Comment: Experimental studies and prediction algorithms are not available or were not evaluated, and the functional significance of this variant is currently unknown. In summary, the available evidence is currently insufficient to determine the role of this variant in disease. Therefore, it has been classified as a Variant of Uncertain Significance. This variant has not been reported in the literature in individuals affected with TSC2-related conditions. This variant results in a copy number gain of the genomic region encompassing exon(s) 1-30 of the TSC2 gene. This region includes the initiator codon of the gene. This copy number gain extends beyond the assayed region for this gene and therefore may encompass additional genes. As the precise location of this event is unknown, it may be in tandem or it may be located elsewhere in the genome.

NC_000016.9:g.(?_1607916)_(2130398_?)dup

Genes: CRAMP1 (cramped chromatin regulator 1; plus strand), EME2 (essential meiotic structure-specific endonuclease subunit 2; plus strand), FAHD1 (fumarylacetoacetate hydrolase domain containing 1; plus strand), GFER (growth factor, augmenter of liver regeneration; plus strand), HAGH (hydroxyacylglutathione hydrolase; minus strand) and 24 more. Cytogenetic location: 16p13.3.
Variant type: Duplication.
Identifiers: ClinVar variation 3243466 (VCV003243466.1).